The following is an entry in ClinVar:

NM_176869.3(PPA2):c.482G>A (p.Cys161Tyr)

Gene: PPA2 (inorganic pyrophosphatase 2; minus strand). Cytogenetic location: 4q24.
Variant type: single nucleotide variant.
Coding change: c.482G>A on transcript NM_176869.3 (MANE Select); coding-DNA position 482, G replaced by A.
Protein change: p.Cys161Tyr; replaces cysteine 161 with tyrosine.
Molecular consequence: missense variant. On other transcripts: intron variant (3).
Genome position (GRCh38, 1-based): chr4:105,437,996, C>T on the plus strand (G>A on the coding strand, the complement: PPA2 is on the minus strand). VCF-style: chr4-105437996-C-T. GRCh37 (hg19) VCF-style: chr4-106359153-C-T.
Other names: c.157+35898G>A (NM_176867.3); c.223-13674G>A (NM_176866.2); c.441+8387G>A (NM_006903.4); short protein forms C161Y.
Identifiers: ClinVar variation 1374455 (VCV001374455.3), dbSNP rs765643758, ClinGen allele CA3032515.

ClinVar aggregate classification (germline): Uncertain significance (1 of 4 stars; one submission).

Allele frequency attached by ClinVar (database versions not stated): TOPMed below 0.00001; gnomAD 0.00001; gnomAD exomes 0.00001 and 0.00003; ExAC 0.00002; 1000 Genomes Project 30x 0.00016.
gnomAD v4.1: 44 of 1,609,346 alleles (0.0027%); highest among the groups gnomAD compares: South Asian, 0.0045%; no homozygotes.

Submission:

Labcorp Genetics (formerly Invitae), Labcorp
Classification: Uncertain significance. Last evaluated: 2022-03-18. Review status: criteria provided, single submitter. Criteria: Invitae Variant Classification Sherloc (09022015). Collection method: clinical testing. Allele origin: germline.
Comment: This sequence change replaces cysteine, which is neutral and slightly polar, with tyrosine, which is neutral and polar, at codon 161 of the PPA2 protein (p.Cys161Tyr). This variant is present in population databases (rs765643758, gnomAD 0.003%). This variant has not been reported in the literature in individuals affected with PPA2-related conditions. Algorithms developed to predict the effect of missense changes on protein structure and function are either unavailable or do not agree on the potential impact of this missense change (SIFT: "Deleterious"; PolyPhen-2: "Probably Damaging"; Align-GVGD: "Class C0"). In summary, the available evidence is currently insufficient to determine the role of this variant in disease. Therefore, it has been classified as a Variant of Uncertain Significance.